The following is an entry in ClinVar:

NM_000062.3(SERPING1):c.522C>T (p.Ile174=)

Gene: SERPING1 (serpin family G member 1; plus strand). Cytogenetic location: 11q12.1.
Variant type: single nucleotide variant.
Coding change: c.522C>T on transcript NM_000062.3 (MANE Select); coding-DNA position 522, C replaced by T.
Protein change: p.Ile174=; no amino-acid change (isoleucine 174 retained).
Molecular consequence: synonymous variant.
Genome position (GRCh38, 1-based): chr11:57,600,349, C>T. VCF-style: chr11-57600349-C-T. GRCh37 (hg19) VCF-style: chr11-57367822-C-T.
Other names: c.522C>T, p.Ile174= (NM_001032295.2); c.522C>T (NM_000062.2).
Identifiers: ClinVar variation 1573978 (VCV001573978.10), dbSNP rs762180263, ClinGen allele CA6008046.
Genomic context (GRCh38, chr11:57,600,349, plus strand): 5'-CCACGCCTTCTCAGCAATGAAGAAGGTGGAGACCAACATGGCCTTTTCCCCATTCAGCAT[C>T]GCCAGCCTCCTTACCCAGGTCCTGCTCGGTAAGACCCTGCTTGAATTCTCTCCAGGTCAT-3'
Protein context (NP_000053.2, residues 164-184): ETNMAFSPFS[Ile174=]ASLLTQVLLG

ClinVar aggregate classification (germline): Likely benign. Review status: criteria provided, single submitter (1 of 4 stars). 2 submissions from 2 submitters: Likely benign (1). 1 of the submissions does not count toward it. Last evaluated 2025-11-25.

Conditions:
SERPING1-related disorder. Also called: SERPING1-related condition.

Allele frequency attached by ClinVar (database versions not stated): gnomAD exomes 0.00001; ExAC 0.00002; TOPMed 0.00007; gnomAD 0.00009.

Submissions (2):

Labcorp Genetics (formerly Invitae), Labcorp
Classification: Likely benign. Last evaluated: 2025-11-25. Review status: criteria provided, single submitter. Criteria: Invitae Variant Classification Sherloc (09022015). Collection method: clinical testing. Allele origin: germline.

PreventionGenetics, part of Exact Sciences
Classification: Likely benign for SERPING1-related condition. Last evaluated: 2019-03-18. Review status: no assertion criteria provided. Collection method: clinical testing. Allele origin: germline. Not counted in ClinVar's aggregate classification.
Comment: This variant is classified as likely benign based on ACMG/AMP sequence variant interpretation guidelines (Richards et al. 2015 PMID: 25741868, with internal and published modifications).